The following is an entry in ClinVar:

ClinVar aggregate classification (germline): Likely benign. Review status: criteria provided, multiple submitters, no conflicts (2 of 4 stars). 4 submissions from 4 submitters: Likely benign (4). Last evaluated 2026-03-24.

Conditions:
Charcot-Marie-Tooth disease axonal type 2S. Also called: CHARCOT-MARIE-TOOTH NEUROPATHY, TYPE 2S; CHARCOT-MARIE-TOOTH DISEASE, AXONAL, AUTOSOMAL RECESSIVE, TYPE 2S. Identifiers: Orphanet 443073, MedGen C4015349, MONDO:0014511, OMIM 616155.
Autosomal recessive distal spinal muscular atrophy 1. Also called: NEURONOPATHY, SEVERE INFANTILE AXONAL, WITH RESPIRATORY FAILURE; SEVERE INFANTILE AXONAL NEUROPATHY WITH RESPIRATORY FAILURE; SPINAL MUSCULAR ATROPHY, DIAPHRAGMATIC; Spinal muscular atrophy with respiratory distress 1; NEURONOPATHY, DISTAL HEREDITARY MOTOR, HARDING TYPE VI; NEUROPATHY, DISTAL HEREDITARY MOTOR, AUTOSOMAL RECESSIVE 1. Identifiers: Orphanet 98920, MedGen C1858517, MONDO:0011436, OMIM 604320.
IGHMBP2-related disorder. Also called: IGHMBP2-related condition; IGHMBP2-related disorders.
Charcot-Marie-Tooth disease. Also called: Charcot-Marie-Tooth Neuropathy; Charcot-Marie-Tooth Hereditary Neuropathy. Identifiers: Orphanet 166, MedGen C0007959, MONDO:0015626.

Allele frequency attached by ClinVar (database versions not stated): ExAC 0.00001; gnomAD exomes 0.00002; TOPMed 0.00004.
gnomAD v4.1: 157 of 1,613,878 alleles (0.0097%); highest among the groups gnomAD compares: Non-Finnish European, 0.013%; no homozygotes.

Submissions (4):

Women's Health and Genetics/Laboratory Corporation of America, LabCorp
Classification: Likely benign. Last evaluated: 2026-03-24. Review status: criteria provided, single submitter. Criteria: LabCorp Variant Classification Summary - May 2015. Collection method: clinical testing. Allele origin: germline.

Labcorp Genetics (formerly Invitae), Labcorp
Classification: Likely benign for Autosomal recessive distal spinal muscular atrophy 1; Charcot-Marie-Tooth disease axonal type 2S. Last evaluated: 2025-12-24. Review status: criteria provided, single submitter. Criteria: Invitae Variant Classification Sherloc (09022015). Collection method: clinical testing. Allele origin: germline.

PreventionGenetics, part of Exact Sciences
Classification: Likely benign for IGHMBP2-related condition. Last evaluated: 2025-09-25. Review status: criteria provided, single submitter. Criteria: ACMG Guidelines, 2015. Collection method: clinical testing. Allele origin: germline.
Comment: This variant is classified as likely benign based on ACMG/AMP sequence variant interpretation guidelines (Richards et al. 2015 PMID: 25741868, with internal and published modifications).

Molecular Genetics Laboratory, London Health Sciences Centre
Classification: Likely benign for Charcot-Marie-Tooth disease. Review status: criteria provided, single submitter. Criteria: ACMG Guidelines, 2015. Collection method: clinical testing. Allele origin: germline. Affected: yes.

NM_002180.3(IGHMBP2):c.273G>T (p.Leu91=)

Gene: IGHMBP2 (immunoglobulin mu DNA binding protein 2; plus strand). Cytogenetic location: 11q13.3.
Variant type: single nucleotide variant.
Coding change: c.273G>T on transcript NM_002180.3 (MANE Select); coding-DNA position 273, G replaced by T.
Protein change: p.Leu91=; no amino-acid change (leucine 91 retained).
Molecular consequence: synonymous variant.
Genome position (GRCh38, 1-based): chr11:68,908,161, G>T. VCF-style: chr11-68908161-G-T. GRCh37 (hg19) VCF-style: chr11-68675629-G-T.
Identifiers: ClinVar variation 916743 (VCV000916743.12), dbSNP rs772280279, ClinGen allele CA6153245.